The following is an entry in ClinVar:

NM_007294.4(BRCA1):c.2203C>A (p.Leu735Ile)

Gene: BRCA1 (BRCA1 DNA repair associated; minus strand). Cytogenetic location: 17q21.31.
Variant type: single nucleotide variant.
Coding change: c.2203C>A on transcript NM_007294.4 (MANE Select); coding-DNA position 2203, C replaced by A.
Protein change: p.Leu735Ile; replaces leucine 735 with isoleucine.
Molecular consequence: missense variant. On other transcripts: intron variant (137).
Genome position (GRCh38, 1-based): chr17:43,093,328, G>T on the plus strand (C>A on the coding strand, the complement: BRCA1 is on the minus strand). VCF-style: chr17-43093328-G-T. GRCh37 (hg19) VCF-style: chr17-41245345-G-T.
Other names: c.1990C>A, p.Leu664Ile (NM_001407853.1, NM_001407894.1, NM_001407895.1 and 9 more transcripts); c.2203C>A, p.Leu735Ile (NM_001407854.1, NM_001407858.1, NM_001407859.1 and 30 more transcripts); c.2200C>A, p.Leu734Ile (NM_001407860.1, NM_001407861.1, NM_001407587.1 and 22 more transcripts); c.2002C>A, p.Leu668Ile (NM_001407862.1); c.2080C>A, p.Leu694Ile (NM_001407863.1, NM_001407919.1, NM_001407937.1 and 19 more transcripts); c.1999C>A, p.Leu667Ile (NM_001407874.1, NM_001407875.1); c.1993C>A, p.Leu665Ile (NM_001407879.1, NM_001407881.1, NM_001407882.1 and 13 more transcripts); c.1939C>A, p.Leu647Ile (NM_001407920.1, NM_001407921.1, NM_001407922.1 and 9 more transcripts); and 41 more; short protein forms L439I, L567I, L607I, L608I, L623I, L624I, L646I, L647I.
Identifiers: ClinVar variation 4800849 (VCV004800849.1).

ClinVar aggregate classification (germline): Uncertain significance (1 of 4 stars; one submission).

Conditions:
Hereditary breast ovarian cancer syndrome. Also called: Hereditary breast and ovarian cancer syndrome (HBOC); Hereditary breast and ovarian cancer; Breast and ovarian cancer; Hereditary breast and/or ovarian cancer syndrome; BRCA1- and BRCA2-Associated Hereditary Breast and Ovarian Cancer; Hereditary breast and ovarian cancer syndrome. Identifiers: Orphanet 145, MedGen C0677776, MeSH D061325, MONDO:0003582. Disease mechanism: loss of function.

Submission:

Labcorp Genetics (formerly Invitae), Labcorp
Classification: Uncertain significance for Hereditary breast ovarian cancer syndrome. Last evaluated: 2025-07-13. Review status: criteria provided, single submitter. Criteria: Invitae Variant Classification Sherloc (09022015). Collection method: clinical testing. Allele origin: germline.
Comment: This sequence change replaces leucine, which is neutral and non-polar, with isoleucine, which is neutral and non-polar, at codon 735 of the BRCA1 protein (p.Leu735Ile). This variant is not present in population databases (gnomAD no frequency). This variant has not been reported in the literature in individuals affected with BRCA1-related conditions. Invitae Evidence Modeling of protein sequence and biophysical properties (such as structural, functional, and spatial information, amino acid conservation, physicochemical variation, residue mobility, and thermodynamic stability) indicates that this missense variant is not expected to disrupt BRCA1 protein function with a negative predictive value of 80%. In summary, the available evidence is currently insufficient to determine the role of this variant in disease. Therefore, it has been classified as a Variant of Uncertain Significance.